The following is an entry in ClinVar:

NM_024675.4(PALB2):c.2289G>C (p.Leu763Phe)

Gene: PALB2 (partner and localizer of BRCA2; minus strand). Cytogenetic location: 16p12.2.
Variant type: single nucleotide variant.
Coding change: c.2289G>C on transcript NM_024675.4 (MANE Select); coding-DNA position 2289, G replaced by C.
Protein change: p.Leu763Phe; replaces leucine 763 with phenylalanine.
Molecular consequence: missense variant.
Genome position (GRCh38, 1-based): chr16:23,629,865, C>G on the plus strand (G>C on the coding strand, the complement: PALB2 is on the minus strand). VCF-style: chr16-23629865-C-G. GRCh37 (hg19) VCF-style: chr16-23641186-C-G.
Other names: p.L763F:TTG>TTC; short protein forms L763F.
Identifiers: ClinVar variation 136133 (VCV000136133.61), dbSNP rs373478248, ClinGen allele CA294144.
Genomic context (GRCh38, chr16:23,629,865, plus strand): 5'-TGCTGGGCTGCCTGAACTGTCGAATTGTTTAGTATCACTGGCAAGACAGACTGAGTCTTT[C>G]AAATGAGCAAGTTGGGGTGTGCAGCAAGTTCGTCCAGCAACTTCTGTAGATGCTTTTTCA-3'
Protein context (NP_078951.2, residues 753-773): RTCCTPQLAH[Leu763Phe]KDSVCLASDT

ClinVar aggregate classification (germline): Conflicting classifications of pathogenicity. Review status: criteria provided, conflicting classifications (1 of 4 stars). 24 submissions from 24 submitters: Uncertain significance (5); Benign (4); Likely benign (7). 8 of the submissions do not count toward it. Last evaluated 2026-02-03.

Conditions:
PALB2-related disorder. Also called: PALB2-related condition; PALB2-related disorders.
Breast and/or ovarian cancer. Identifiers: MedGen CN221562.
Hereditary cancer-predisposing syndrome. Also called: Tumor predisposition; Hereditary neoplastic syndrome; Neoplastic Syndromes, Hereditary; Hereditary Cancer Syndrome. Identifiers: Orphanet 140162, MedGen C0027672, MeSH D009386, MONDO:0015356.
Familial cancer of breast. Also called: Hereditary breast cancer; BREAST CANCER, FAMILIAL; hereditary breast carcinoma. Identifiers: Orphanet 227535, MedGen C0346153, MONDO:0016419, OMIM 114480. Disease mechanism: loss of function.
Malignant tumor of breast. Also called: Malignant breast neoplasm; Cancer breast. Identifiers: MedGen C0006142, MONDO:0007254. Disease mechanism: loss of function.

Allele frequency attached by ClinVar (database versions not stated): gnomAD exomes 0.00001 and 0.00005; gnomAD 0.00004 and 0.00005; TOPMed 0.00006; ExAC 0.00008.
gnomAD v4.1: 60 of 1,613,996 alleles (0.0037%); highest among the groups gnomAD compares: East Asian, 0.049%; no homozygotes.

Submissions 1 to 18 of 24:

Labcorp Genetics (formerly Invitae), Labcorp
Classification: Benign for Familial cancer of breast. Last evaluated: 2026-02-03. Review status: criteria provided, single submitter. Criteria: Invitae Variant Classification Sherloc (09022015). Collection method: clinical testing. Allele origin: germline.

Quest Diagnostics Nichols Institute San Juan Capistrano
Classification: Benign. Last evaluated: 2025-08-15. Review status: criteria provided, single submitter. Criteria: Quest Diagnostics criteria. Collection method: clinical testing. Allele origin: unknown.

Institute for Biomarker Research, Medical Diagnostic Laboratories, L.L.C.
Classification: Likely benign for Hereditary cancer-predisposing syndrome. Last evaluated: 2025-03-14. Review status: criteria provided, single submitter. Criteria: ACMG Guidelines, 2015. Collection method: clinical testing. Allele origin: germline.
Comment: The missense variant NM_024675.4(PALB2):c.2289G>C (p.Leu763Phe) has not been reported previously as a pathogenic variant, to our knowledge. There is a small physicochemical difference between leucine and phenylalanine, which is not likely to impact secondary protein structure as these residues share similar properties. For these reasons, this variant has been classified as Likely Benign.

Center for Genomic Medicine, Rigshospitalet, Copenhagen University Hospital
Classification: Likely benign. Last evaluated: 2025-03-04. Review status: criteria provided, single submitter. Criteria: ACMG Guidelines, 2015. Collection method: clinical testing. Allele origin: germline.

Myriad Genetics, Inc.
Classification: Benign for Familial cancer of breast. Last evaluated: 2025-01-15. Review status: criteria provided, single submitter. Criteria: Myriad Autosomal Dominant, Autosomal Recessive and X-Linked Classification Criteria (2023). Collection method: clinical testing. Allele origin: unknown.
Comment: This variant is considered benign. Homozygosity for this variant has been confirmed in one or more individuals lacking clinical features consistent with gene-specific recessive disease, indicating that this variant is unlikely to be pathogenic. This variant is strongly associated with less severe personal and family histories of cancer, typical for individuals without pathogenic variants in this gene [PMID: 25085752].

Blueprint Genetics
Classification: Likely benign. Last evaluated: 2024-10-28. Review status: criteria provided, single submitter. Criteria: ACMG Guidelines, 2015. Collection method: clinical testing. Allele origin: germline.

Sema4
Classification: Likely benign for Hereditary cancer-predisposing syndrome. Last evaluated: 2021-07-11. Review status: criteria provided, single submitter. Criteria: Sema4 Curation Guidelines. Collection method: curation. Allele origin: germline.

GeneDx
Classification: Likely benign. Last evaluated: 2021-02-18. Review status: criteria provided, single submitter. Criteria: GeneDx Variant Classification Process June 2021. Collection method: clinical testing. Allele origin: germline. Affected: yes.
Comment: This variant is associated with the following publications: (PMID: 28678401, 26283626, 23977390, 26689913, 28825143, 28779002, 25186627, 25225064, 30287823, 29338689, 30093976, 30447919, 31636395)

Baylor Genetics
Classification: Uncertain significance for Familial cancer of breast. Last evaluated: 2020-12-04. Review status: criteria provided, single submitter. Criteria: ACMG Guidelines, 2015. Collection method: clinical testing. Allele origin: maternal. Affected: yes. Study: CSER-TexasKidsCanSeq.
Comment: This variant was determined to be of uncertain significance according to ACMG Guidelines, 2015 [PMID:25741868].

CHEO Genetics Diagnostic Laboratory, Children's Hospital of Eastern Ontario
Classification: Uncertain significance for Breast and/or ovarian cancer. Last evaluated: 2020-11-18. Review status: criteria provided, single submitter. Criteria: ACMG Guidelines, 2015. Collection method: clinical testing. Allele origin: germline.

Women's Health and Genetics/Laboratory Corporation of America, LabCorp
Classification: Benign. Last evaluated: 2020-10-05. Review status: criteria provided, single submitter. Criteria: LabCorp Variant Classification Summary - May 2015. Collection method: clinical testing. Allele origin: germline.
Comment: Variant summary: PALB2 c.2289G>C (p.Leu763Phe) results in a non-conservative amino acid change located in the MRG15 interaction domain (Zhang_PALB2_BCRT_2017) of the encoded protein sequence. Three of five in-silico tools predict a damaging effect of the variant on protein function. The variant allele was found at a frequency of 5.2e-05 in 251480 control chromosomes, predominantly at a frequency of 0.00065 within the East Asian subpopulation in the gnomAD database. The observed variant frequency within East Asian control individuals in the gnomAD database is approximately 4 fold of the estimated maximal expected allele frequency for a pathogenic variant in PALB2 causing Hereditary Breast And Ovarian Cancer Syndrome phenotype (0.00016), strongly suggesting that the variant is a benign polymorphism found primarily in populations of East Asian origin. c.2289G>C has been reported in the literature in individuals affected with Breast And Ovarian Cancer Syndrome. These reports do not provide unequivocal conclusions about association of the variant with Hereditary Breast And Ovarian Cancer Syndrome. At least one publication reports experimental evidence evaluating an impact on protein function. These results showed no damaging effect of this variant (Wiltshire_2019). Ten clinical diagnostic laboratories have submitted clinical-significance assessments for this variant to ClinVar after 2014 without evidence for independent evaluation. Multiple laboratories reported the variant with conflicting assessments (benign/likely benign n=3, VUS n=7). Based on the evidence outlined above, the variant was classified as benign.

Ambry Genetics
Classification: Likely benign for Hereditary cancer-predisposing syndrome. Last evaluated: 2020-08-25. Review status: criteria provided, single submitter. Criteria: Ambry Variant Classification Scheme 2023. Collection method: clinical testing. Allele origin: germline.

Color Diagnostics, LLC DBA Color Health
Classification: Likely benign for Hereditary cancer-predisposing syndrome. Last evaluated: 2019-12-13. Review status: criteria provided, single submitter. Criteria: ACMG Guidelines, 2015. Collection method: clinical testing. Allele origin: germline.

ARUP Laboratories, Molecular Genetics and Genomics, ARUP Laboratories
Classification: Uncertain significance. Last evaluated: 2019-05-10. Review status: criteria provided, single submitter. Criteria: ARUP Molecular Germline Variant Investigation Process. Collection method: clinical testing. Allele origin: germline.
Comment: The PALB2 c.2289G>C; p.Leu763Phe variant (rs373478248) is reported in Eastern Asian individuals with familial or sporadic breast cancer as well as healthy controls (Momozawa 2018, Zhang 2017). This variant is reported as likely benign or uncertain in ClinVar (Variation ID: 136133). It is found in the general East Asian population with an allele frequency of 0.07% (14/19950 alleles) in the Genome Aggregation Database. The leucine at codon 763 is highly conserved, and computational analyses (SIFT, PolyPhen-2) predict that this variant is deleterious. However, given the lack of clinical and functional data, the significance of this variant is uncertain at this time. REFERENCES Momozawa Y et al. Germline pathogenic variants of 11 breast cancer genes in 7,051 Japanese patients and 11,241 controls. Nat Commun. 2018 Oct 4;9(1):4083 Zhang K et al. Germline mutations of PALB2 gene in a sequential series of Chinese patients with breast cancer. Breast Cancer Res Treat. 2017 Dec;166(3):865-873.

Genetic Services Laboratory, University of Chicago
Classification: Uncertain significance. Last evaluated: 2016-01-07. Review status: criteria provided, single submitter. Criteria: ACMG Guidelines, 2015. Collection method: clinical testing. Allele origin: germline. Affected: no.

Cancer Genetics Laboratory, Peter MacCallum Cancer Centre
Classification: Uncertain significance for Familial cancer of breast. Last evaluated: 2015-06-01. Review status: criteria provided, single submitter. Criteria: Thompson et al. (Breast Cancer Res. 2015). Collection method: case-control. Allele origin: germline. Affected: yes. Observed: 2 variant alleles, 2 heterozygotes.

PreventionGenetics, part of Exact Sciences
Classification: Likely benign for PALB2-related condition. Last evaluated: 2024-09-23. Review status: no assertion criteria provided. Collection method: clinical testing. Allele origin: germline. Not counted in ClinVar's aggregate classification.
Comment: This variant is classified as likely benign based on ACMG/AMP sequence variant interpretation guidelines (Richards et al. 2015 PMID: 25741868, with internal and published modifications).

King Laboratory, University of Washington
Classification: Benign. Last evaluated: 2019-09-01. Review status: no assertion criteria provided. Collection method: research. Allele origin: germline. Affected: yes. Not counted in ClinVar's aggregate classification.
Comment: Transcript analysis by cBROCA